The following is an entry in ClinVar:

ClinVar aggregate classification (germline): Uncertain significance. Review status: criteria provided, multiple submitters, no conflicts (2 of 4 stars). 3 submissions from 3 submitters: Uncertain significance (3). Last evaluated 2024-08-02.

Conditions:
Inborn genetic diseases. Identifiers: MedGen C0950123, MeSH D030342.
Pseudo-Hurler polydystrophy. Also called: ML III; ML III ALPHA/BETA; MUCOLIPIDOSIS IIIA; Type III Mucolipidosis; ML IIIA; Mucolipidosis III Alpha/Beta. Identifiers: Orphanet 423461, Orphanet 577, MedGen C0033788, MONDO:0018931, OMIM 252600.
Mucolipidosis type II. Also called: ML II ALPHA/BETA; Mucolipidosis 2; ML 2; Inclusion cell disease; Leroy Disease; N-acetylglucosamine 1phosphotransferase deficiency. Identifiers: Orphanet 576, MedGen C2673377, MONDO:0009650, OMIM 252500.

Allele frequency attached by ClinVar (database versions not stated): ExAC 0.00002; gnomAD 0.00001; gnomAD exomes 0.00001 and 0.00002; TOPMed 0.00001.
gnomAD v4.1: 23 of 1,565,920 alleles (0.0015%); highest among the groups gnomAD compares: Middle Eastern, 0.033%; no homozygotes.

Submissions (3):

GeneDx
Classification: Uncertain significance. Last evaluated: 2024-08-02. Review status: criteria provided, single submitter. Criteria: GeneDx Variant Classification Process June 2021. Collection method: clinical testing. Allele origin: germline. Affected: yes.
Comment: Not observed at significant frequency in large population cohorts (gnomAD); In silico analysis supports that this missense variant has a deleterious effect on protein structure/function; Has not been previously published as pathogenic or benign to our knowledge

Ambry Genetics
Classification: Uncertain significance for Inborn genetic diseases. Last evaluated: 2023-12-28. Review status: criteria provided, single submitter. Criteria: Ambry Variant Classification Scheme 2023. Collection method: clinical testing. Allele origin: germline.

Labcorp Genetics (formerly Invitae), Labcorp
Classification: Uncertain significance for Pseudo-Hurler polydystrophy; Mucolipidosis type II. Last evaluated: 2022-10-13. Review status: criteria provided, single submitter. Criteria: Invitae Variant Classification Sherloc (09022015). Collection method: clinical testing. Allele origin: germline.
Comment: This sequence change replaces serine, which is neutral and polar, with cysteine, which is neutral and slightly polar, at codon 1089 of the GNPTAB protein (p.Ser1089Cys). This variant is present in population databases (rs766107961, gnomAD 0.01%). This variant has not been reported in the literature in individuals affected with GNPTAB-related conditions. ClinVar contains an entry for this variant (Variation ID: 1326673). Advanced modeling of protein sequence and biophysical properties (such as structural, functional, and spatial information, amino acid conservation, physicochemical variation, residue mobility, and thermodynamic stability) performed at Invitae indicates that this missense variant is not expected to disrupt GNPTAB protein function. In summary, the available evidence is currently insufficient to determine the role of this variant in disease. Therefore, it has been classified as a Variant of Uncertain Significance.

NM_024312.5(GNPTAB):c.3265A>T (p.Ser1089Cys)

Gene: GNPTAB (N-acetylglucosamine-1-phosphate transferase subunits alpha and beta; minus strand). Cytogenetic location: 12q23.2.
Variant type: single nucleotide variant.
Coding change: c.3265A>T on transcript NM_024312.5 (MANE Select); coding-DNA position 3265, A replaced by T.
Protein change: p.Ser1089Cys; replaces serine 1089 with cysteine.
Molecular consequence: missense variant.
Genome position (GRCh38, 1-based): chr12:101,757,642, T>A on the plus strand (A>T on the coding strand, the complement: GNPTAB is on the minus strand). VCF-style: chr12-101757642-T-A. GRCh37 (hg19) VCF-style: chr12-102151420-T-A.
Other names: short protein forms S1089C.
Identifiers: ClinVar variation 1326673 (VCV001326673.5), dbSNP rs766107961, ClinGen allele CA6746206.